The following is an entry in ClinVar:

NM_001004334.4(GPR179):c.595A>T (p.Lys199Ter)

Gene: GPR179 (G protein-coupled receptor 179; minus strand). Cytogenetic location: 17q12.
Variant type: single nucleotide variant.
Coding change: c.595A>T on transcript NM_001004334.4 (MANE Select); coding-DNA position 595, A replaced by T.
Protein change: p.Lys199Ter; replaces lysine 199 with a stop codon.
Molecular consequence: nonsense.
Genome position (GRCh38, 1-based): chr17:38,343,195, T>A on the plus strand (A>T on the coding strand, the complement: GPR179 is on the minus strand). VCF-style: chr17-38343195-T-A. GRCh37 (hg19) VCF-style: chr17-36499078-T-A.
Other names: short protein forms K199*.
Identifiers: ClinVar variation 2876153 (VCV002876153.3), dbSNP rs2512175710, ClinGen allele CA398888895.

ClinVar aggregate classification (germline): Pathogenic (1 of 4 stars; one submission).

Submission:

Labcorp Genetics (formerly Invitae), Labcorp
Classification: Pathogenic. Last evaluated: 2023-05-16. Review status: criteria provided, single submitter. Criteria: Invitae Variant Classification Sherloc (09022015). Collection method: clinical testing. Allele origin: germline.
Comment: This sequence change creates a premature translational stop signal (p.Lys199*) in the GPR179 gene. It is expected to result in an absent or disrupted protein product. Loss-of-function variants in GPR179 are known to be pathogenic (PMID: 22325361, 22325362). This variant is not present in population databases (gnomAD no frequency). This variant has not been reported in the literature in individuals affected with GPR179-related conditions. For these reasons, this variant has been classified as Pathogenic.

Literature cited by the submitters: PubMed 22325361; PubMed 22325362.